The following is an entry in ClinVar:

ClinVar aggregate classification (germline): Uncertain significance (1 of 4 stars; one submission).

gnomAD v4.1: 13 of 1,614,166 alleles (0.00081%); highest among the groups gnomAD compares: Middle Eastern, 0.016%; no homozygotes.

Submission:

Labcorp Genetics (formerly Invitae), Labcorp
Classification: Uncertain significance. Last evaluated: 2025-09-16. Review status: criteria provided, single submitter. Criteria: Invitae Variant Classification Sherloc (09022015). Collection method: clinical testing. Allele origin: germline.
Comment: This sequence change replaces alanine, which is neutral and non-polar, with threonine, which is neutral and polar, at codon 855 of the NSD1 protein (p.Ala855Thr). This variant is present in population databases (rs752093886, gnomAD 0.004%). This variant has not been reported in the literature in individuals affected with NSD1-related conditions. Invitae Evidence Modeling of protein sequence and biophysical properties (such as structural, functional, and spatial information, amino acid conservation, physicochemical variation, residue mobility, and thermodynamic stability) indicates that this missense variant is expected to disrupt NSD1 protein function with a positive predictive value of 95%. In summary, the available evidence is currently insufficient to determine the role of this variant in disease. Therefore, it has been classified as a Variant of Uncertain Significance.

NM_022455.5(NSD1):c.2563G>A (p.Ala855Thr)

Gene: NSD1 (nuclear receptor binding SET domain protein 1; plus strand). Cytogenetic location: 5q35.3.
Variant type: single nucleotide variant.
Coding change: c.2563G>A on transcript NM_022455.5 (MANE Select); coding-DNA position 2563, G replaced by A.
Protein change: p.Ala855Thr; replaces alanine 855 with threonine.
Molecular consequence: missense variant.
Genome position (GRCh38, 1-based): chr5:177,210,962, G>A. VCF-style: chr5-177210962-G-A. GRCh37 (hg19) VCF-style: chr5-176637963-G-A.
Other names: c.1690G>A, p.Ala564Thr (NM_001365684.2, NM_001409306.1, NM_001409307.1 and 3 more transcripts); c.2563G>A, p.Ala855Thr (NM_001409301.1, NM_001409302.1, NM_001409303.1); c.2143G>A, p.Ala715Thr (NM_001409304.1); c.1810G>A, p.Ala604Thr (NM_001409305.1); short protein forms A604T, A715T, A564T, A855T.
Identifiers: ClinVar variation 4752016 (VCV004752016.1).